The following is an entry in ClinVar:

NM_018451.5(CPAP):c.723_734delinsC (p.Gln241fs)

Gene: CPAP (centrosome assembly and centriole elongation protein; minus strand). Cytogenetic location: 13q12.13.
Variant type: Indel.
Coding change: c.723_734delinsC on transcript NM_018451.5 (MANE Select); coding-DNA positions 723 to 734, AAGCAACTTCTG replaced by C.
Protein change: p.Gln241fs; shifts the reading frame from glutamine 241.
Molecular consequence: frameshift variant. On other transcripts: non-coding transcript variant (2).
Genome position (GRCh38, 1-based): chr13:24,909,921-24,909,932, CAGAAGTTGCTT replaced by G on the plus strand (AAGCAACTTCTG replaced by C on the coding strand, the reverse complement: CPAP is on the minus strand). VCF-style: chr13-24909921-CAGAAGTTGCTT-G. GRCh37 (hg19) VCF-style: chr13-25484059-CAGAAGTTGCTT-G.
Other names: short protein forms Q241fs.
Identifiers: ClinVar variation 4845881 (VCV004845881.1).

ClinVar aggregate classification (germline): Likely pathogenic (1 of 4 stars; one submission).

Conditions:
Microcephaly 6, primary, autosomal recessive. Identifiers: Orphanet 2512, MedGen C1842109, MONDO:0012029, OMIM 608393.
Seckel syndrome 4 (SCKL4). Identifiers: Orphanet 808, MedGen C3888212, MONDO:0013358, OMIM 613676.

Submission:

First Genomix Gene Laboratory, Genetic Diagnostics Department
Classification: Likely pathogenic for Seckel syndrome 4; Microcephaly 6, primary, autosomal recessive. Last evaluated: 2025-03-20. Review status: criteria provided, single submitter. Criteria: ACMG Guidelines, 2015. Collection method: clinical testing. Allele origin: germline. Inheritance: Autosomal recessive inheritance. Affected: no. Observed: 1 variant allele.